The following is an entry in ClinVar:

ClinVar aggregate classification (germline): Uncertain significance. Review status: criteria provided, multiple submitters, no conflicts (2 of 4 stars). 7 submissions from 7 submitters: Uncertain significance (7). Last evaluated 2025-12-10.

Conditions:
RAD51D-related disorder. Also called: RAD51D-related condition.
Hereditary cancer-predisposing syndrome. Also called: Neoplastic Syndromes, Hereditary; Tumor predisposition; Hereditary Cancer Syndrome; Hereditary neoplastic syndrome. Identifiers: Orphanet 140162, MedGen C0027672, MeSH D009386, MONDO:0015356.
Breast-ovarian cancer, familial, susceptibility to, 4. Identifiers: Orphanet 145, MedGen C3280345, MONDO:0013669, OMIM 614291.

Allele frequency attached by ClinVar (database versions not stated): gnomAD 0.00001; gnomAD exomes 0.00001; TOPMed 0.00002.
gnomAD v4.1: 9 of 1,565,346 alleles (0.00057%); highest among the groups gnomAD compares: African/African-American, 0.011%; no homozygotes.

Submissions (7):

PreventionGenetics, part of Exact Sciences
Classification: Uncertain significance for RAD51D-related condition. Last evaluated: 2025-12-10. Review status: criteria provided, single submitter. Criteria: ACMG Guidelines, 2015. Collection method: clinical testing. Allele origin: germline.
Comment: The RAD51D c.301G>C variant is predicted to result in the amino acid substitution p.Glu101Gln. To our knowledge, this variant has not been reported in the literature. This variant is reported in 0.012% of alleles in individuals of African descent in gnomAD and has been interpreted as variant of uncertain significance in the ClinVar database (Variation ID: 410544). At this time, the clinical significance of this variant is uncertain due to the absence of conclusive functional and genetic evidence.

Labcorp Genetics (formerly Invitae), Labcorp
Classification: Uncertain significance for Breast-ovarian cancer, familial, susceptibility to, 4. Last evaluated: 2025-12-09. Review status: criteria provided, single submitter. Criteria: Invitae Variant Classification Sherloc (09022015). Collection method: clinical testing. Allele origin: germline.
Comment: This sequence change replaces glutamic acid, which is acidic and polar, with glutamine, which is neutral and polar, at codon 101 of the RAD51D protein (p.Glu101Gln). This variant is present in population databases (no rsID available, gnomAD 0.01%). This variant has not been reported in the literature in individuals affected with RAD51D-related conditions. ClinVar contains an entry for this variant (Variation ID: 410544). Invitae Evidence Modeling of protein sequence and biophysical properties (such as structural, functional, and spatial information, amino acid conservation, physicochemical variation, residue mobility, and thermodynamic stability) indicates that this missense variant is not expected to disrupt RAD51D protein function with a negative predictive value of 80%. In summary, the available evidence is currently insufficient to determine the role of this variant in disease. Therefore, it has been classified as a Variant of Uncertain Significance.

Ambry Genetics
Classification: Uncertain significance for Hereditary cancer-predisposing syndrome. Last evaluated: 2025-04-06. Review status: criteria provided, single submitter. Criteria: Ambry Variant Classification Scheme 2023. Collection method: clinical testing. Allele origin: germline.
Comment: The p.E101Q variant (also known as c.301G>C), located in coding exon 4 of the RAD51D gene, results from a G to C substitution at nucleotide position 301. The glutamic acid at codon 101 is replaced by glutamine, an amino acid with highly similar properties. This amino acid position is highly conserved in available vertebrate species. In addition, the in silico prediction for this alteration is inconclusive. Since supporting evidence is limited at this time, the clinical significance of this alteration remains unclear.

Department of Pathology and Laboratory Medicine, Sinai Health System
Classification: Uncertain significance for Breast-ovarian cancer, familial, susceptibility to, 4. Last evaluated: 2025-01-24. Review status: criteria provided, single submitter. Criteria: ACMG Guidelines, 2015. Collection method: clinical testing. Allele origin: germline.

Color Diagnostics, LLC DBA Color Health
Classification: Uncertain significance for Hereditary cancer-predisposing syndrome. Last evaluated: 2023-12-05. Review status: criteria provided, single submitter. Criteria: ACMG Guidelines, 2015. Collection method: clinical testing. Allele origin: germline.
Comment: This missense variant replaces glutamic acid with glutamine at codon 101 of the RAD51D protein. Computational prediction suggests that this variant may not impact protein structure and function (internally defined REVEL score threshold <= 0.5, PMID: 27666373). To our knowledge, functional studies have not been reported for this variant. This variant has not been reported in individuals affected with RAD51D-related disorders in the literature. This variant has been identified in 2/251354 chromosomes in the general population by the Genome Aggregation Database (gnomAD). The available evidence is insufficient to determine the role of this variant in disease conclusively. Therefore, this variant is classified as a Variant of Uncertain Significance.

Baylor Genetics
Classification: Uncertain significance for Breast-ovarian cancer, familial, susceptibility to, 4. Last evaluated: 2023-09-14. Review status: criteria provided, single submitter. Criteria: ACMG Guidelines, 2015. Collection method: clinical testing. Allele origin: unknown.

GeneDx
Classification: Uncertain significance. Last evaluated: 2019-11-20. Review status: criteria provided, single submitter. Criteria: GeneDx Variant Classification Process June 2021. Collection method: clinical testing. Allele origin: germline. Affected: yes.
Comment: In silico analysis, which includes protein predictors and evolutionary conservation, supports that this variant does not alter protein structure/function; Has not been previously published as pathogenic or benign to our knowledge

NM_002878.4(RAD51D):c.301G>C (p.Glu101Gln)

Genes: RAD51D (RAD51 paralog D; minus strand), RAD51L3-RFFL (RAD51L3-RFFL readthrough; minus strand). Cytogenetic location: 17q12.
Variant type: single nucleotide variant.
Coding change: c.301G>C on transcript NM_002878.4 (MANE Select); coding-DNA position 301, G replaced by C.
Protein change: p.Glu101Gln; replaces glutamic acid 101 with glutamine.
Molecular consequence: missense variant. On other transcripts: non-coding transcript variant (2), intron variant (1).
Genome position (GRCh38, 1-based): chr17:35,107,410, C>G on the plus strand (G>C on the coding strand, the complement: RAD51D is on the minus strand). VCF-style: chr17-35107410-C-G. GRCh37 (hg19) VCF-style: chr17-33434429-C-G.
Other names: c.361G>C, p.Glu121Gln (NM_001142571.2); c.145-929G>C (NM_133629.3); short protein forms E101Q, E121Q.
Identifiers: ClinVar variation 410544 (VCV000410544.27), dbSNP rs1060502951, ClinGen allele CA16615335.
Genomic context (GRCh38, chr17:35,107,410, plus strand): 5'-CTGGCCTCACATGTACCTGAGTTTTGCCGCTACCTGGGCCTCCTACAATTTCAGTCACTT[C>G]TCCAGTATAGAGACCAGCATCAAGCAGTTTATCAAGACTGATGGCAGAAGAGAAGAAAAT-3'
Protein context (NP_002869.3, residues 91-111): KLLDAGLYTG[Glu101Gln]VTEIVGGPGS